The following is an entry in ClinVar:

ClinVar aggregate classification (germline): Pathogenic/Likely pathogenic. Review status: criteria provided, multiple submitters, no conflicts (2 of 4 stars). 3 submissions from 3 submitters: Pathogenic (1); Likely pathogenic (2). Last evaluated 2023-04-20.

Conditions:
Merosin deficient congenital muscular dystrophy (MDC1A). Also called: Congenital merosin-deficient muscular dystrophy 1A; Congenital Muscular Dystrophy Type 1A (MDC1A). Identifiers: Orphanet 258, MedGen C1263858, MONDO:0011925, OMIM 607855.
LAMA2-related muscular dystrophy (LAMA2-RD). Also called: Laminin alpha 2-related dystrophy. Identifiers: MedGen C5679788, MONDO:0100228.

Allele frequency attached by ClinVar (database versions not stated): gnomAD exomes below 0.00001 and 0.00001; TOPMed below 0.00001; ExAC 0.00001; gnomAD 0.00001.
gnomAD v4.1: 14 of 1,610,956 alleles (0.00087%); highest among the groups gnomAD compares: Non-Finnish European, 0.0012%; no homozygotes.

Submissions (3):

Baylor Genetics
Classification: Likely pathogenic for Merosin deficient congenital muscular dystrophy. Last evaluated: 2023-04-20. Review status: criteria provided, single submitter. Criteria: ACMG Guidelines, 2015. Collection method: clinical testing. Allele origin: unknown.

Revvity Omics, Revvity
Classification: Pathogenic. Last evaluated: 2020-03-20. Review status: criteria provided, single submitter. Criteria: ACMG Guidelines, 2015. Collection method: clinical testing. Allele origin: germline.

Myriad Genetics, Inc.
Classification: Likely pathogenic for LAMA2-related muscular dystrophy. Last evaluated: 2019-10-10. Review status: criteria provided, single submitter. Criteria: Myriad Autosomal Dominant, Autosomal Recessive and X-Linked Classification Criteria (2023). Collection method: clinical testing. Allele origin: unknown.
Comment: NM_000426.3(LAMA2):c.7283C>G(S2428*) is expected to be pathogenic in the context of LAMA2-related muscular dystrophy. This variant is predicted to lead to an abnormal or absent protein product due to the creation of a premature termination codon in LAMA2, a gene where loss-of-function variants are known to be pathogenic. Please note: this variant was assessed in the context of healthy population screening.

NM_000426.4(LAMA2):c.7283C>G (p.Ser2428Ter)

Gene: LAMA2 (laminin subunit alpha 2; plus strand). Cytogenetic location: 6q22.33.
Variant type: single nucleotide variant.
Coding change: c.7283C>G on transcript NM_000426.4 (MANE Select); coding-DNA position 7283, C replaced by G.
Protein change: p.Ser2428Ter; replaces serine 2428 with a stop codon.
Molecular consequence: nonsense.
Genome position (GRCh38, 1-based): chr6:129,465,272, C>G. VCF-style: chr6-129465272-C-G. GRCh37 (hg19) VCF-style: chr6-129786417-C-G.
Other names: c.7283C>G, p.Ser2428Ter (NM_001079823.2); short protein forms S2428*.
Identifiers: ClinVar variation 983647 (VCV000983647.9), dbSNP rs776104105, ClinGen allele CA3994494.